The following is an entry in ClinVar:

ClinVar aggregate classification (germline): Benign. Review status: criteria provided, multiple submitters, no conflicts (2 of 4 stars). 3 submissions from 3 submitters: Benign (3). Last evaluated 2018-01-13.

Conditions:
Holocarboxylase synthetase deficiency. Also called: MULTIPLE CARBOXYLASE DEFICIENCY, EARLY ONSET. Identifiers: Orphanet 79242, MedGen C0268581, MONDO:0009666, OMIM 253270.

Allele frequency attached by ClinVar (database versions not stated): 1000 Genomes Project 30x 0.02233; gnomAD 0.02745 and 0.02703; gnomAD exomes 0.02308; 1000 Genomes Project 0.02336; TOPMed 0.02799.
gnomAD v4.1: 4,203 of 152,576 alleles (2.8%); highest among the groups gnomAD compares: Middle Eastern, 9.2%; 85 homozygotes.

Submissions (3):

Illumina Laboratory Services, Illumina
Classification: Benign for Holocarboxylase synthetase deficiency. Last evaluated: 2018-01-13. Review status: criteria provided, single submitter. Criteria: ICSL Variant Classification Criteria 13 December 2019. Collection method: clinical testing. Allele origin: germline.
Comment: This variant was observed in the ICSL laboratory as part of a predisposition screen in an ostensibly healthy population. It had not been previously curated by ICSL or reported in the Human Gene Mutation Database (HGMD: prior to June 1st, 2018), and was therefore a candidate for classification through an automated scoring system. Utilizing variant allele frequency, disease prevalence and penetrance estimates, and inheritance mode, an automated score was calculated to assess if this variant is too frequent to cause the disease. Based on the score and internal cut-off values, a variant classified as benign is not then subjected to further curation. The score for this variant resulted in a classification of benign for this disease.

GeneDx
Classification: Benign. Last evaluated: 2013-11-15. Review status: criteria provided, single submitter. Criteria: GeneDx Variant Classification (06012015). Collection method: clinical testing. Allele origin: germline. Affected: yes.
Comment: This variant is considered likely benign or benign based on one or more of the following criteria: it is a conservative change, it occurs at a poorly conserved position in the protein, it is predicted to be benign by multiple in silico algorithms, and/or has population frequency not consistent with disease.

Breakthrough Genomics
Classification: Benign. Review status: criteria provided, single submitter. Criteria: ACMG Guidelines, 2015. Collection method: not provided. Allele origin: germline. Inheritance: Autosomal recessive inheritance. Affected: yes.

NM_000411.8(HLCS):c.-393+11G>T

Genes: HLCS (holocarboxylase synthetase; minus strand), LOC130066639 (ATAC-STARR-seq lymphoblastoid silent region 13293; plus strand). Cytogenetic location: 21q22.13.
Variant type: single nucleotide variant.
Coding change: c.-393+11G>T on transcript NM_000411.8; 11 bases into the intron after 393 bases upstream of the start codon, G replaced by T.
Molecular consequence: intron variant.
Genome position (GRCh38, 1-based): chr21:36,990,147, C>A on the plus strand (G>T on the coding strand, the complement: HLCS is on the minus strand). VCF-style: chr21-36990147-C-A. GRCh37 (hg19) VCF-style: chr21-38362447-C-A.
Other names: c.-247+11G>T (NM_001352515.2).
Identifiers: ClinVar variation 137553 (VCV000137553.8), dbSNP rs557368288, ClinGen allele CA291185.